The following is an entry in ClinVar:

ClinVar aggregate classification (germline): Conflicting classifications of pathogenicity. Review status: criteria provided, conflicting classifications (1 of 4 stars). 4 submissions from 4 submitters: Uncertain significance (3); Benign (1). Last evaluated 2025-05-20.

Conditions:
BAP1-related tumor predisposition syndrome (TPDS1). Also called: Tumor susceptibility linked to germline BAP1 mutations; TUMOR PREDISPOSITION SYNDROME 1; BAP1 tumor predisposition syndrome; COMMON Syndrome. Identifiers: Orphanet 289539, MedGen C3280492, MONDO:0013692, OMIM 614327.
Hereditary cancer-predisposing syndrome. Also called: Tumor predisposition; Hereditary Cancer Syndrome; Hereditary neoplastic syndrome; Neoplastic Syndromes, Hereditary. Identifiers: Orphanet 140162, MedGen C0027672, MeSH D009386, MONDO:0015356.

gnomAD v4.1: 6 of 1,613,820 alleles (0.00037%); highest among the groups gnomAD compares: Non-Finnish European, 0.00042%; no homozygotes.

Submissions (4):

Ambry Genetics
Classification: Benign for Hereditary cancer-predisposing syndrome. Last evaluated: 2025-05-20. Review status: criteria provided, single submitter. Criteria: Ambry Variant Classification Scheme 2023. Collection method: clinical testing. Allele origin: germline.

Labcorp Genetics (formerly Invitae), Labcorp
Classification: Uncertain significance for BAP1-related tumor predisposition syndrome. Last evaluated: 2024-07-30. Review status: criteria provided, single submitter. Criteria: Invitae Variant Classification Sherloc (09022015). Collection method: clinical testing. Allele origin: germline.
Comment: This sequence change replaces arginine, which is basic and polar, with glycine, which is neutral and non-polar, at codon 385 of the BAP1 protein (p.Arg385Gly). This variant is not present in population databases (gnomAD no frequency). This variant has not been reported in the literature in individuals affected with BAP1-related conditions. ClinVar contains an entry for this variant (Variation ID: 2626922). Advanced modeling of protein sequence and biophysical properties (such as structural, functional, and spatial information, amino acid conservation, physicochemical variation, residue mobility, and thermodynamic stability) performed at Invitae indicates that this missense variant is not expected to disrupt BAP1 protein function with a negative predictive value of 80%. In summary, the available evidence is currently insufficient to determine the role of this variant in disease. Therefore, it has been classified as a Variant of Uncertain Significance.

Color Diagnostics, LLC DBA Color Health
Classification: Uncertain significance for Hereditary cancer-predisposing syndrome. Last evaluated: 2023-10-27. Review status: criteria provided, single submitter. Criteria: ACMG Guidelines, 2015. Collection method: clinical testing. Allele origin: germline.
Comment: This missense variant replaces arginine with glycine at codon 385 of the BAP1 protein. Computational prediction suggests that this variant may not impact protein structure and function (internally defined REVEL score threshold <= 0.5, PMID: 27666373). To our knowledge, functional studies have not been reported for this variant. This variant has not been reported in individuals affected with BAP1-related disorders in the literature. This variant has not been identified in the general population by the Genome Aggregation Database (gnomAD). The available evidence is insufficient to determine the role of this variant in disease conclusively. Therefore, this variant is classified as a Variant of Uncertain Significance.

Greenwood Genetic Center Diagnostic Laboratories, Greenwood Genetic Center
Classification: Uncertain significance. Last evaluated: 2023-09-05. Review status: criteria provided, single submitter. Criteria: ACMG Guidelines, 2015. Collection method: clinical testing. Allele origin: germline. Affected: yes.
Comment: PM2

NM_004656.4(BAP1):c.1153C>G (p.Arg385Gly)

Gene: BAP1 (BRCA1 associated deubiquitinase 1; minus strand). Cytogenetic location: 3p21.1.
Variant type: single nucleotide variant.
Coding change: c.1153C>G on transcript NM_004656.4 (MANE Select); coding-DNA position 1153, C replaced by G.
Protein change: p.Arg385Gly; replaces arginine 385 with glycine.
Molecular consequence: missense variant.
Genome position (GRCh38, 1-based): chr3:52,404,550, G>C on the plus strand (C>G on the coding strand, the complement: BAP1 is on the minus strand). VCF-style: chr3-52404550-G-C. GRCh37 (hg19) VCF-style: chr3-52438566-G-C.
Other names: c.1099C>G, p.Arg367Gly (NM_001410772.1); short protein forms R367G, R385G.
Identifiers: ClinVar variation 2626922 (VCV002626922.7), dbSNP rs1553645164, ClinGen allele CA353103324.